The following is an entry in ClinVar:

ClinVar aggregate classification (germline): Uncertain significance (1 of 4 stars; one submission).

Conditions:
Oculodentodigital dysplasia, autosomal recessive. Also called: OCULODENTOOSSEOUS DYSPLASIA, AUTOSOMAL RECESSIVE; ODDD, AUTOSOMAL RECESSIVE; ODOD, AUTOSOMAL RECESSIVE. Identifiers: Orphanet 2710, MedGen C2749477, MONDO:0009768, OMIM 257850.

Submission:

Labcorp Genetics (formerly Invitae), Labcorp
Classification: Uncertain significance for Oculodentodigital dysplasia, autosomal recessive. Last evaluated: 2021-10-11. Review status: criteria provided, single submitter. Criteria: Invitae Variant Classification Sherloc (09022015). Collection method: clinical testing. Allele origin: germline.
Comment: In summary, the available evidence is currently insufficient to determine the role of this variant in disease. Therefore, it has been classified as a Variant of Uncertain Significance. Experimental studies and prediction algorithms are not available or were not evaluated, and the functional significance of this variant is currently unknown. Algorithms developed to predict the effect of sequence changes on RNA splicing suggest that this variant may create or strengthen a splice site. This variant has not been reported in the literature in individuals affected with GJA1-related conditions. This variant, c.119_121del, results in the deletion of 1 amino acid(s) of the GJA1 protein (p.Ala40del), but otherwise preserves the integrity of the reading frame. This variant is not present in population databases (ExAC no frequency).

NM_000165.5(GJA1):c.119_121del (p.Ala40del)

Gene: GJA1 (gap junction protein alpha 1; plus strand). Cytogenetic location: 6q22.31.
Variant type: Deletion.
Coding change: c.119_121del on transcript NM_000165.5 (MANE Select); coding-DNA positions 119 to 121, 3 bases deleted (CGG; older notation c.119_121delCGG).
Protein change: p.Ala40del; deletes alanine 40.
Molecular consequence: inframe deletion.
Genome position (GRCh38, 1-based): chr6:121,446,966-121,446,968, CGG deleted; deleting any 3 consecutive bases within chr6:121,446,965-121,446,968 gives the same sequence; the c. name uses the placement nearest the transcript's 3' end. VCF-style (leftmost placement, unchanged base first): chr6-121446964-AGCG-A. GRCh37 (hg19) VCF-style: chr6-121768110-AGCG-A.
Other names: short protein forms A40del.
Identifiers: ClinVar variation 1386214 (VCV001386214.6), dbSNP rs2114282978, ClinGen allele CA2573140512.
Genomic context (GRCh38, chr6:121,446,964, plus strand): 5'-TGCTGGAGGGAAGGTGTGGCTGTCAGTACTTTTCATTTTCCGAATCCTGCTGCTGGGGAC[AGCG>A]GTTGAGTCAGCCTGGGGAGATGAGCAGTCTGCCTTTCGTTGTAACACTCAGCAACCTGGT-3'